The following continues an entry in ClinVar:

NM_000051.4(ATM):c.7638_7646del (p.Arg2547_Ser2549del)

ClinVar aggregate classification (germline): Pathogenic/Likely pathogenic. Pathogenic (22); Likely pathogenic (3).

Submissions 29 to 32 of 32:

CSER _CC_NCGL, University of Washington
Classification: Uncertain significance for Breast cancer. Last evaluated: 2016-08-01. Review status: no assertion criteria provided. Collection method: research. Allele origin: germline. Inheritance: Autosomal dominant inheritance. Study: CSER - NEXT Medicine variant annotation. Not counted in ClinVar's aggregate classification.

OMIM
Classification: Pathogenic for T-CELL PROLYMPHOCYTIC LEUKEMIA, SOMATIC. Last evaluated: 2002-09-01. Review status: no assertion criteria provided. Collection method: literature only. Allele origin: somatic. Not counted in ClinVar's aggregate classification.

OMIM
Classification: Pathogenic for ATAXIA-TELANGIECTASIA, COMPLEMENTATION GROUP E. Last evaluated: 1995-06-23. Review status: no assertion criteria provided. Collection method: literature only. Allele origin: germline. Not counted in ClinVar's aggregate classification.

Department of Pathology and Laboratory Medicine, Sinai Health System
Classification: Pathogenic for Malignant tumor of breast. Review status: no assertion criteria provided. Collection method: clinical testing. Allele origin: unknown. Affected: yes. Study: The Canadian Open Genetics Repository (COGR). Not counted in ClinVar's aggregate classification.
Comment: The ATM p.Arg2547_Ser2549del variant was identified in 14 of 6042 proband chromosomes (frequency: 0.002) from individuals or families with Ataxia-telangiectasia and breast cancer (Buzin 2003, Goldgar 2011, Li 2000, Reiman 2011). The variant was also identified in the following databases: dbSNP (ID: rs587776547) as "With Pathogenic allele", ClinVar (9x pathogenic, 1x uncertain significance), Clinvitae (5x pathogenic, 1x uncertain significance), Cosmic (1x, haematopoietic and lymphoid tumour), and the LOVD 3.0 (27x). The variant was not identified in the MutDB database. The variant was not identified in the control databases: the 1000 Genomes Project, the NHLBI GO Exome Sequencing Project, the Exome Aggregation Consortium (August 8th 2016), or the Genome Aggregation Database (Feb 27, 2017). Multiple functional studies have shown the ATM protein lacks kinase activity and is expressed at low levels, confirming the pathogenicity of this variant (Barone 2009, Reiman 2011). This variant is an in-frame deletion resulting in the removal of three residues, from codon 2547 to 2549. The variant occurs outside of the splicing consensus sequence and in silico or computational prediction software programs (SpliceSiteFinder, MaxEntScan, NNSPLICE, GeneSplicer, HumanSpliceFinder) do not predict a difference in splicing. In summary, based on the above information this variant meets our laboratoryâ€šÃ„Ã´s criteria to be classified as pathogenic.

Literature cited by the submitters: PubMed 7792600 (cited by 7 submitters); PubMed 8797579 (cited by 6 submitters); PubMed 11382771 (cited by 8 submitters); PubMed 12552559 (cited by 6 submitters); PubMed 21787400 (cited by 6 submitters); PubMed 22649200 (cited by 5 submitters); PubMed 12195425 (cited by 3 submitters); PubMed 19431188 (cited by 12 submitters); PubMed 26896183 (cited by Natera, Inc.); PubMed 8755918 (cited by Color Diagnostics, LLC DBA Color Health); PubMed 8808599 (cited by 4 submitters); PubMed 8845835 (cited by Color Diagnostics, LLC DBA Color Health and Ambry Genetics); PubMed 9288106 (cited by Color Diagnostics, LLC DBA Color Health and OMIM); PubMed 9443866 (cited by Color Diagnostics, LLC DBA Color Health and Ambry Genetics); PubMed 9463314 (cited by 6 submitters); PubMed 10817650 (cited by 5 submitters); PubMed 16652348 (cited by Color Diagnostics, LLC DBA Color Health); PubMed 21778326 (cited by Color Diagnostics, LLC DBA Color Health); PubMed 33439686 (cited by Color Diagnostics, LLC DBA Color Health); PubMed 21933854 (cited by 3 submitters); PubMed 9150358 (cited by 3 submitters); PubMed 36094610 (cited by Athena Diagnostics); PubMed 29958926 (cited by Athena Diagnostics); PubMed 21792198 (cited by Ambry Genetics and Department of Pathology and Laboratory Medicine, Sinai Health System); PubMed 8923007 (cited by Ambry Genetics); PubMed 9537233 (cited by AiLife Diagnostics); PubMed 32853339 (cited by AiLife Diagnostics); PubMed 27989354 (cited by AiLife Diagnostics); PubMed 32338768 (cited by AiLife Diagnostics); PubMed 26556299 (cited by AiLife Diagnostics); PubMed 31948886 (cited by AiLife Diagnostics); PubMed 31447099 (cited by AiLife Diagnostics); PubMed 28873162 (cited by Department of Pediatrics, Memorial Sloan Kettering Cancer Center); PubMed 11805335 (cited by Counsyl); PubMed 6504056 (cited by OMIM).